The following is an entry in ClinVar:

ClinVar aggregate classification (germline): Likely benign (1 of 4 stars; one submission).

Conditions:
Fabry disease. Also called: ALPHA-GALACTOSIDASE A DEFICIENCY; ANDERSON-FABRY DISEASE; CERAMIDE TRIHEXOSIDASE DEFICIENCY; GLA DEFICIENCY; HEREDITARY DYSTOPIC LIPIDOSIS; Angiokeratoma corporis diffusum. Identifiers: Orphanet 324, MedGen C0002986, MONDO:0010526, OMIM 301500, HP:0001071. Disease mechanism: Fabry disease is due to inactivating mutations in the X-linked GLA gene resulting in deficiency of the enzyme Alpha Galactosidase-A., loss of function.

Submission:

Genomenon, Inc
Classification: Likely benign for Fabry disease. Last evaluated: 2026-09-08. Review status: criteria provided, single submitter. Criteria: Genomenon Sequence Variant Interpretation Standards - Updated. Collection method: curation. Allele origin: germline. Affected: no.
Comment: GLA c.195-39T>C is an intronic variant located in intron 1. This variant has been reported in the published literature (PMID:17940724;35419675). It is absent or not present at a significant frequency in gnomAD. This variant is not predicted to impact splicing. In conclusion, we classify GLA c.195-39T>C as a likely benign variant.

Literature cited by the submitters: PubMed 17940724; PubMed 35419675.

NM_000169.3(GLA):c.195-39T>C

Genes: GLA (galactosidase alpha; minus strand), RPL36A-HNRNPH2 (RPL36A-HNRNPH2 readthrough; plus strand). Cytogenetic location: Xq22.1.
Variant type: single nucleotide variant.
Coding change: c.195-39T>C on transcript NM_000169.3 (MANE Select); 39 bases into the intron before coding-DNA position 195, T replaced by C.
Molecular consequence: intron variant.
Genome position (GRCh38, 1-based): chrX:101,404,024, A>G on the plus strand (T>C on the coding strand, the complement: GLA is on the minus strand). VCF-style: chrX-101404024-A-G. GRCh37 (hg19) VCF-style: chrX-100659012-A-G.
Other names: c.301-7912A>G (NM_001199973.2); c.178-7912A>G (NM_001199974.2); c.318-39T>C (NM_001406747.1, NM_001406749.1); c.195-39T>C (NM_001406748.1).
Identifiers: ClinVar variation 4087096 (VCV004087096.2).